The following is an entry in ClinVar:

ClinVar aggregate classification (germline): Pathogenic. Review status: reviewed by expert panel (3 of 4 stars). 12 submissions from 12 submitters: Pathogenic (1). 11 of the submissions do not count toward it. Last evaluated 2023-12-22.

Conditions:
RPE65-related recessive retinopathy. Also called: Recessive RPE65 retinopathy. Identifiers: MedGen CN305526, MONDO:0100368.
RPE65-related disorder. Also called: RPE65-related condition; RPE65-related disorders. Identifiers: MedGen CN239301.
Retinal dystrophy. Also called: Inherited retinal dystrophy. Identifiers: Orphanet 71862, MedGen C0854723, MeSH D058499, MONDO:0019118, HP:0000556.
Retinitis pigmentosa 20 (RP20). Identifiers: Orphanet 791, MedGen C3151086, MONDO:0013425, OMIM 613794.
Leber congenital amaurosis 2 (LCA2). Also called: Autosomal Recessive RPE65-Related Retinal Degeneration; AMAUROSIS CONGENITA OF LEBER II. Identifiers: Orphanet 65, MedGen C1859844, MONDO:0008765, OMIM 204100. Disease mechanism: loss of function.
Leber congenital amaurosis (LCA). Also called: Leber's amaurosis. Identifiers: Orphanet 65, MedGen C0339527, MeSH D057130, MONDO:0018998.

Allele frequency attached by ClinVar (database versions not stated): gnomAD exomes 0.00001 and 0.00003; TOPMed 0.00001; ExAC 0.00002; gnomAD 0.00001.
gnomAD v4.1: 22 of 1,613,710 alleles (0.0014%); highest among the groups gnomAD compares: Admixed American, 0.0083%; no homozygotes.

Submissions (12):

ClinGen Leber Congenital Amaurosis/early Onset Retinal Dystrophy Variant Curation Expert Panel, ClinGen
Classification: Pathogenic for RPE65-related recessive retinopathy. Last evaluated: 2023-12-22. Review status: reviewed by expert panel. Criteria: ClinGen LCAeoRD ACMG Specifications RPE65 V1.0.0. Collection method: curation. Allele origin: germline. Inheritance: Autosomal recessive inheritance.
Comment: NM_000329.3(RPE65):c.700C>T (p.Arg234Ter) is a nonsense variant that introduces a premature stop codon in exon 7 of 14, and is predicted to lead to nonsense-mediated decay in a gene in which loss-of-function is an established mechanism of disease (PVS1). At least 6 probands have been reported with this variant, one of whom displayed nystagmus (1 pt), night blindness (0.5 pts), reduced visual acuity (1 pt), narrowing of retinal vessels (0.5 pts), moderate pallor of the optic discs (0.5 pts), difficulty discriminating any color (1 pt), unrecordable ERG (0.5 pts), absent autofluorescence (2 pts), and onset at birth (1 pt), which together are highly specific for RPE65-related recessive retinopathy (8 total pts, PMIDs: 9326927, PMID: 11264131 PMID: 15288992, PP4_moderate). Additionally, the variant has been reported to segregate with the phenotype (confirmed by absent ERG) in the proband plus one similarly affected sibling harboring the variant in the compound heterozygous state (PP1; PMID: 9326927). PM3 was not considered to avoid circularity, despite the presence of compound heterozygous cases harboring this variant as well as the p.Asn356fs, c.991_993dup (p.Trp331dup), or p.Arg124Ter variant. This variant is present in gnomAD v.2.1.1 at a GrpMax allele frequency of 0.00002299, with 3 alleles / 34580 total alleles in the Admixed American population, which is lower than the ClinGen LCA / eoRD VCEP PM2_Supporting threshold of <0.0002 (PM2_Supporting). In summary, this variant meets the criteria to be classified as Pathogenic for RPE65-related recessive retinopathy based on the ACMG/AMP criteria applied, as specified by the ClinGen LCA/eoRD VCEP: PVS1, PP4_Moderate, PM2_Supporting, and PP1. (VCEP specifications version 1.0.0; date of approval 09/21/2023)

Labcorp Genetics (formerly Invitae), Labcorp
Classification: Pathogenic for Leber congenital amaurosis 2; Retinitis pigmentosa 20. Last evaluated: 2025-06-29. Review status: criteria provided, single submitter. Criteria: Invitae Variant Classification Sherloc (09022015). Collection method: clinical testing. Allele origin: germline. Not counted in ClinVar's aggregate classification.
Comment: This sequence change creates a premature translational stop signal (p.Arg234*) in the RPE65 gene. It is expected to result in an absent or disrupted protein product. Loss-of-function variants in RPE65 are known to be pathogenic (PMID: 9326941, 9501220, 9843205, 18632300). This variant is present in population databases (rs61752895, gnomAD 0.009%). This premature translational stop signal has been observed in individual(s) with inherited retinal dystrophy (PMID: 9326927, 30268864). In at least one individual the data is consistent with being in trans (on the opposite chromosome) from a pathogenic variant. It has also been observed to segregate with disease in related individuals. ClinVar contains an entry for this variant (Variation ID: 13114). Algorithms developed to predict the effect of sequence changes on RNA splicing suggest that this variant may disrupt the consensus splice site. For these reasons, this variant has been classified as Pathogenic.

3billion
Classification: Pathogenic for Leber congenital amaurosis 2. Last evaluated: 2025-02-18. Review status: criteria provided, single submitter. Criteria: ACMG Guidelines, 2015. Collection method: clinical testing. Allele origin: germline. Affected: yes. Not counted in ClinVar's aggregate classification.
Comment: The variant is observed at an extremely low frequency in the gnomAD v4.1.0 dataset (total allele frequency: 0.001%). Predicted Consequence/Location: Stop-gained (nonsense): predicted to result in a loss or disruption of normal protein function through nonsense-mediated decay (NMD) or protein truncation. Multiple pathogenic variants are reported downstream of the variant. In silico tools predict the variant to alter splicing and produce an abnormal transcript [SpliceAI: 0.26 (spliceogenicity >=0.2, non-spliceogenicity <0.1)]. The variant has been reported to be in trans with a pathogenic variant as either compound heterozygous or homozygous in at least one similarly affected unrelated individual (PMID: 15024725). The variant has been reported multiple times as an established pathogenic variant (ClinVar ID: VCV000013114 /PMID: 35129589, 9326927). Therefore, this variant is classified as Pathogenic according to the recommendation of ACMG/AMP guideline.

Ophthalmic Genetics Group, Institute of Molecular and Clinical Ophthalmology Basel
Classification: Pathogenic for Retinal dystrophy. Last evaluated: 2024-05-27. Review status: criteria provided, single submitter. Criteria: ACMG Guidelines, 2015. Collection method: research. Allele origin: germline. Affected: yes. Observed: 1 variant allele. Not counted in ClinVar's aggregate classification.
Comment: This variant was classified as Pathogenic based on ACMG criteria: PVS1_very strong, PS4_mod and PM2_mod

Myriad Genetics, Inc.
Classification: Pathogenic for RPE65-related recessive retinopathy. Last evaluated: 2024-05-14. Review status: criteria provided, single submitter. Criteria: Myriad Autosomal Dominant, Autosomal Recessive and X-Linked Classification Criteria (2023). Collection method: clinical testing. Allele origin: unknown. Not counted in ClinVar's aggregate classification.
Comment: NM_000329.2(RPE65):c.700C>T(R234*) is expected to be pathogenic in the context of inherited retinal dystrophy, RPE65-related. This variant is predicted to lead to an abnormal or absent protein product due to the creation of a premature termination codon in RPE65, a gene where loss-of-function variants are known to be pathogenic. Please note: this variant was assessed in the context of healthy population screening.

Natera, Inc.
Classification: Pathogenic for Leber congenital amaurosis. Last evaluated: 2024-05-04. Review status: criteria provided, single submitter. Criteria: Natera Variant Classification Schema (03/2026). Collection method: clinical testing. Allele origin: germline. Not counted in ClinVar's aggregate classification.
Comment: The c.700C>T variant in RPE65 is a nonsense variant predicted to introduce a stop codon at amino acid 234. This variant is expected to result in nonsense mediated decay, truncation, or a dysfunctional protein product. This variant is rare in the general population with a frequency below the threshold expected for the associated phenotype(s). This variant has been observed in one or more individuals affected with the associated recessive disease, as either homozygous or compound heterozygous with a second variant (PMID: 15024725, 20683928). Given the available evidence, this variant is classified as Pathogenic.

Baylor Genetics
Classification: Pathogenic for Leber congenital amaurosis 2. Last evaluated: 2024-03-25. Review status: criteria provided, single submitter. Criteria: ACMG Guidelines, 2015. Collection method: clinical testing. Allele origin: unknown. Not counted in ClinVar's aggregate classification.

Blueprint Genetics
Classification: Pathogenic for RPE65-related disorders. Last evaluated: 2021-12-27. Review status: criteria provided, single submitter. Criteria: ACMG Guidelines, 2015. Collection method: clinical testing. Allele origin: germline. Affected: yes. Observed: 5 variant alleles. Not counted in ClinVar's aggregate classification.

Ocular Genomics Institute, Massachusetts Eye and Ear
Classification: Pathogenic for Retinitis pigmentosa 20. Last evaluated: 2021-04-08. Review status: criteria provided, single submitter. Criteria: ACMG Guidelines, 2015. Collection method: research. Allele origin: germline. Affected: yes. Not counted in ClinVar's aggregate classification.
Comment: Through a review of available evidence we were able to apply the following criteria: PP1-M, PM2, PVS1. Based on this evidence we have classified this variant as Pathogenic.

OMIM
Classification: Pathogenic for LEBER CONGENITAL AMAUROSIS 2. Last evaluated: 1997-10-01. Review status: no assertion criteria provided. Collection method: literature only. Allele origin: germline. Not counted in ClinVar's aggregate classification.

Laboratory of Genetics in Ophthalmology, Institut Imagine
Classification: Pathogenic for Leber congenital amaurosis 2. Review status: no assertion criteria provided. Collection method: research. Allele origin: inherited. Affected: yes. Observed: 1 variant allele. Not counted in ClinVar's aggregate classification.

Retina International
No classification provided. Review status: no classification provided. Collection method: not provided. Allele origin: not provided. Not counted in ClinVar's aggregate classification.

Literature cited by the submitters: PubMed 9326941 (cited by Labcorp Genetics (formerly Invitae), Labcorp and Ophthalmic Genetics Group, Institute of Molecular and Clinical Ophthalmology Basel); PubMed 9501220 (cited by Labcorp Genetics (formerly Invitae), Labcorp and Ophthalmic Genetics Group, Institute of Molecular and Clinical Ophthalmology Basel); PubMed 9843205 (cited by Labcorp Genetics (formerly Invitae), Labcorp); PubMed 18632300 (cited by Labcorp Genetics (formerly Invitae), Labcorp); PubMed 9326927 (cited by 4 submitters); PubMed 30268864 (cited by Labcorp Genetics (formerly Invitae), Labcorp and Ocular Genomics Institute, Massachusetts Eye and Ear); PubMed 15024725 (cited by 3billion and Natera, Inc.); PubMed 35129589 (cited by 3billion); PubMed 40180963 (cited by Ophthalmic Genetics Group, Institute of Molecular and Clinical Ophthalmology Basel); PubMed 20683928 (cited by Natera, Inc.).

NM_000329.3(RPE65):c.700C>T (p.Arg234Ter)

Gene: RPE65 (retinoid isomerohydrolase RPE65; minus strand). Cytogenetic location: 1p31.3.
Variant type: single nucleotide variant.
Coding change: c.700C>T on transcript NM_000329.3 (MANE Select); coding-DNA position 700, C replaced by T.
Protein change: p.Arg234Ter; replaces arginine 234 with a stop codon.
Molecular consequence: nonsense.
Genome position (GRCh38, 1-based): chr1:68,439,586, G>A on the plus strand (C>T on the coding strand, the complement: RPE65 is on the minus strand). VCF-style: chr1-68439586-G-A. GRCh37 (hg19) VCF-style: chr1-68905269-G-A.
Other names: NM_000329.3(RPE65):c.700C>T; p.Arg234Ter; NP_000320.1:p.(Arg234Ter); short protein forms R234*.
Identifiers: ClinVar variation 13114 (VCV000013114.20), dbSNP rs61752895, ClinGen allele CA226577.
Genomic context (GRCh38, chr1:68,439,586, plus strand): 5'-TTTTCCTGAAGATTCATAGCAGGCCTTCAAGTTACCTATGAACGTAAGATGGCTTGAATC[G>A]GTCACTGCAGGGGAATTGTACAACGATCTCTGACTTGCTTATTGGATCTTCCTTGTCTGA-3'